The following is an entry in ClinVar:

NM_018896.5(CACNA1G):c.6721C>T (p.Arg2241Trp)

Gene: CACNA1G (calcium voltage-gated channel subunit alpha1 G; plus strand). Cytogenetic location: 17q21.33.
Variant type: single nucleotide variant.
Coding change: c.6721C>T on transcript NM_018896.5 (MANE Select); coding-DNA position 6721, C replaced by T.
Protein change: p.Arg2241Trp; replaces arginine 2241 with tryptophan.
Molecular consequence: missense variant. On other transcripts: non-coding transcript variant (5).
Genome position (GRCh38, 1-based): chr17:50,626,338, C>T. VCF-style: chr17-50626338-C-T. GRCh37 (hg19) VCF-style: chr17-48703699-C-T.
Other names: c.6721C>T (NM_018896.3); c.6532C>T, p.Arg2178Trp (NM_001256324.2); c.6463C>T, p.Arg2155Trp (NM_001256325.2); c.6451C>T, p.Arg2151Trp (NM_001256326.2); c.6421C>T, p.Arg2141Trp (NM_001256327.2); c.6367C>T, p.Arg2123Trp (NM_001256328.2); c.6340C>T, p.Arg2114Trp (NM_001256329.2, NM_198387.3); c.6307C>T, p.Arg2103Trp (NM_001256330.2); and 19 more; short protein forms R2035W, R2091W, R2107W, R2114W, R2130W, R2137W, R2141W, R2185W.
Identifiers: ClinVar variation 2742661 (VCV002742661.4), dbSNP rs372274867, ClinGen allele CA8653716.

ClinVar aggregate classification (germline): Conflicting classifications of pathogenicity. Review status: criteria provided, conflicting classifications (1 of 4 stars). 2 submissions from 2 submitters: Uncertain significance (1); Likely benign (1). Last evaluated 2023-10-10.

Conditions:
Inborn genetic diseases. Identifiers: MedGen C0950123, MeSH D030342.

Allele frequency attached by ClinVar (database versions not stated): gnomAD 0.00005; ExAC 0.00007; TOPMed 0.00008; ESP Exome Variant Server 0.00016.
gnomAD v4.1: 57 of 1,613,074 alleles (0.0035%); highest among the groups gnomAD compares: South Asian, 0.031%; no homozygotes.

Submissions (2):

Ambry Genetics
Classification: Likely benign for Inborn genetic diseases. Last evaluated: 2023-10-10. Review status: criteria provided, single submitter. Criteria: Ambry Variant Classification Scheme 2023. Collection method: clinical testing. Allele origin: germline.

Labcorp Genetics (formerly Invitae), Labcorp
Classification: Uncertain significance. Last evaluated: 2023-01-24. Review status: criteria provided, single submitter. Criteria: Invitae Variant Classification Sherloc (09022015). Collection method: clinical testing. Allele origin: germline.
Comment: This variant has not been reported in the literature in individuals affected with CACNA1G-related conditions. In summary, the available evidence is currently insufficient to determine the role of this variant in disease. Therefore, it has been classified as a Variant of Uncertain Significance. Advanced modeling of protein sequence and biophysical properties (such as structural, functional, and spatial information, amino acid conservation, physicochemical variation, residue mobility, and thermodynamic stability) has been performed at Invitae for this missense variant, however the output from this modeling did not meet the statistical confidence thresholds required to predict the impact of this variant on CACNA1G protein function. This variant is present in population databases (rs372274867, gnomAD 0.04%), and has an allele count higher than expected for a pathogenic variant. This sequence change replaces arginine, which is basic and polar, with tryptophan, which is neutral and slightly polar, at codon 2241 of the CACNA1G protein (p.Arg2241Trp).